The following is an entry in ClinVar:

ClinVar aggregate classification (germline): Pathogenic (1 of 4 stars; one submission).

Conditions:
Combined oxidative phosphorylation defect type 14. Also called: Combined oxidative phosphorylation deficiency 14. Identifiers: Orphanet 319519, MedGen C4755312, MONDO:0013986, OMIM 614946.

Submission:

Labcorp Genetics (formerly Invitae), Labcorp
Classification: Pathogenic for Combined oxidative phosphorylation defect type 14. Last evaluated: 2023-10-13. Review status: criteria provided, single submitter. Criteria: Invitae Variant Classification Sherloc (09022015). Collection method: clinical testing. Allele origin: germline.
Comment: This variant is a gross deletion of the genomic region encompassing exon(s) 1-2 of the FARS2 gene, which includes the initiator codon. This deletion extends beyond the assayed region for this gene and therefore may encompass additional genes. It is expected to result in an absent or disrupted protein product. Loss-of-function variants in FARS2 are known to be pathogenic (PMID: 22833457). A similar copy number variant has been observed in individual(s) with hereditary spastic paraplegia (PMID: 32007496). For these reasons, this variant has been classified as Pathogenic.

Literature cited by the submitters: PubMed 22833457; PubMed 32007496.

NC_000006.11:g.(?_5260861)_(5369435_?)del

Genes: FARS2 (phenylalanyl-tRNA synthetase 2, mitochondrial; plus strand), LYRM4 (LYR motif containing 4; minus strand). Cytogenetic location: 6p25.1.
Variant type: Deletion.
Identifiers: ClinVar variation 1450668 (VCV001450668.5).